The following is an entry in ClinVar:

NM_152468.5(TMC8):c.2132C>T (p.Ala711Val)

Gene: TMC8 (transmembrane channel like 8; plus strand). Cytogenetic location: 17q25.3.
Variant type: single nucleotide variant.
Coding change: c.2132C>T on transcript NM_152468.5 (MANE Select); coding-DNA position 2132, C replaced by T.
Protein change: p.Ala711Val; replaces alanine 711 with valine.
Molecular consequence: missense variant.
Genome position (GRCh38, 1-based): chr17:78,141,063, C>T. VCF-style: chr17-78141063-C-T. GRCh37 (hg19) VCF-style: chr17-76137144-C-T.
Other names: short protein forms A711V.
Identifiers: ClinVar variation 2053342 (VCV002053342.2), dbSNP rs573706900, ClinGen allele CA8797135.

ClinVar aggregate classification (germline): Uncertain significance (1 of 4 stars; one submission).

Conditions:
Epidermodysplasia verruciformis. Identifiers: Orphanet 302, MedGen C0014522, MONDO:0009176.

Allele frequency attached by ClinVar (database versions not stated): gnomAD exomes 0.00002; TOPMed 0.00009; ExAC 0.00011; gnomAD 0.00011; 1000 Genomes Project 30x 0.00016; 1000 Genomes Project 0.00020.

Submission:

Labcorp Genetics (formerly Invitae), Labcorp
Classification: Uncertain significance for Epidermodysplasia verruciformis. Last evaluated: 2023-08-03. Review status: criteria provided, single submitter. Criteria: Invitae Variant Classification Sherloc (09022015). Collection method: clinical testing. Allele origin: germline.
Comment: This sequence change replaces alanine, which is neutral and non-polar, with valine, which is neutral and non-polar, at codon 711 of the TMC8 protein (p.Ala711Val). This variant is present in population databases (rs573706900, gnomAD 0.2%). In summary, the available evidence is currently insufficient to determine the role of this variant in disease. Therefore, it has been classified as a Variant of Uncertain Significance. Algorithms developed to predict the effect of missense changes on protein structure and function output the following: SIFT: "Not Available"; PolyPhen-2: "Benign"; Align-GVGD: "Not Available". The valine amino acid residue is found in multiple mammalian species, which suggests that this missense change does not adversely affect protein function. ClinVar contains an entry for this variant (Variation ID: 2053342). This variant has not been reported in the literature in individuals affected with TMC8-related conditions.